The following is an entry in ClinVar:

ClinVar aggregate classification (germline): Uncertain significance (1 of 4 stars; one submission).

Submission:

GeneDx
Classification: Uncertain significance. Last evaluated: 2016-06-14. Review status: criteria provided, single submitter. Criteria: GeneDx Variant Classification (06012015). Collection method: clinical testing. Allele origin: germline. Affected: yes.
Comment: The K625Q variant in the MEFV gene has not been reported previously as a pathogenic variant, nor as a benign variant, to our knowledge. The K625Q variant was not observed in approximately 6500 individuals of European and African American ancestry in the NHLBI Exome Sequencing Project, indicating it is not a common benign variant in these populations. The K625Q variant is a semi-conservative amino acid substitution, which may impact secondary protein structure as these residues differ in some properties. This substitution occurs at a position that is not conserved. In silico analysis predicts this variant likely does not alter the protein structure/function. We interpret K625Q as a variant of uncertain significance.

NM_000243.3(MEFV):c.1873A>C (p.Lys625Gln)

Genes: MEFV (MEFV innate immunity regulator, pyrin; minus strand), LOC126862264 (CDK7 strongly-dependent group 2 enhancer GRCh37_chr16:3293322-3294521; plus strand). Cytogenetic location: 16p13.3.
Variant type: single nucleotide variant.
Coding change: c.1873A>C on transcript NM_000243.3 (MANE Select); coding-DNA position 1873, A replaced by C.
Protein change: p.Lys625Gln; replaces lysine 625 with glutamine.
Molecular consequence: missense variant. On other transcripts: 3 prime UTR variant (1).
Genome position (GRCh38, 1-based): chr16:3,243,614, T>G on the plus strand (A>C on the coding strand, the complement: MEFV is on the minus strand). VCF-style: chr16-3243614-T-G. GRCh37 (hg19) VCF-style: chr16-3293614-T-G.
Other names: c.*77A>C (NM_001198536.2); short protein forms K625Q.
Identifiers: ClinVar variation 372960 (VCV000372960.1), dbSNP rs773281678, ClinGen allele CA16043009.
Genomic context (GRCh38, chr16:3,243,614, plus strand): 5'-AGCCCAGAACAATGATACAGCTGTCAAATCTTTGCGGGCCATCAGGCAGCCTCTCCCACT[T>G]GTTTCCAAGTCTAACACTCTTCAGATCATCAGAGAAGATGAGGTTGGGGTAAGCGGTTTC-3'
Protein context (NP_000234.1, residues 615-635): DDLKSVRLGN[Lys625Gln]WERLPDGPQR